The following is an entry in ClinVar:

NM_144736.5(NDUFAF7):c.50G>A (p.Arg17His)

Genes: NDUFAF7 (NADH:ubiquinone oxidoreductase complex assembly factor 7; plus strand), LOC126806192 (CDK7 strongly-dependent group 2 enhancer GRCh37_chr2:37458084-37459283; plus strand). Cytogenetic location: 2p22.2.
Variant type: single nucleotide variant.
Coding change: c.50G>A on transcript NM_144736.5 (MANE Select); coding-DNA position 50, G replaced by A.
Protein change: p.Arg17His; replaces arginine 17 with histidine.
Molecular consequence: missense variant. On other transcripts: non-coding transcript variant (10).
Genome position (GRCh38, 1-based): chr2:37,231,755, G>A. VCF-style: chr2-37231755-G-A. GRCh37 (hg19) VCF-style: chr2-37458898-G-A.
Other names: p.R17H:CGC>CAC; c.50G>A, p.Arg17His (NM_001083946.2, NM_001350024.2, NM_001350025.2 and 1 more transcripts); short protein forms R17H.
Identifiers: ClinVar variation 138467 (VCV000138467.13), dbSNP rs72875762, ClinGen allele CA292470.
Genomic context (GRCh38, chr2:37,231,755, plus strand): 5'-CGAATTTCAGCATGAGTGTACTGCTGAGGTCAGGTTTGGGGCCGTTGTGTGCCGTGGCGC[G>A]CGCAGGTAAGCGTCAGTCCCCTCGAAGCCCGGTTGCCGTGGAAGCCGCGTGGGGCGCCTT-3'
Protein context (NP_653337.1, residues 7-27): SGLGPLCAVA[Arg17His]AAIPFIWRGK

ClinVar aggregate classification (germline): Benign. Review status: criteria provided, multiple submitters, no conflicts (2 of 4 stars). 3 submissions from 3 submitters: Benign (3). Last evaluated 2026-01-27.

Allele frequency attached by ClinVar (database versions not stated): gnomAD exomes 0.00758; ExAC 0.00818; 1000 Genomes Project 0.01538; 1000 Genomes Project 30x 0.01640; gnomAD 0.01658 and 0.01764; TOPMed 0.01820; ESP Exome Variant Server 0.01868.
gnomAD v4.1: 12,858 of 1,614,172 alleles (0.8%); highest among the groups gnomAD compares: African/African-American, 4.2%; 112 homozygotes.

Submissions (3):

Labcorp Genetics (formerly Invitae), Labcorp
Classification: Benign. Last evaluated: 2026-01-27. Review status: criteria provided, single submitter. Criteria: Invitae Variant Classification Sherloc (09022015). Collection method: clinical testing. Allele origin: germline.

GeneDx
Classification: Benign. Last evaluated: 2014-02-04. Review status: criteria provided, single submitter. Criteria: GeneDx Variant Classification (06012015). Collection method: clinical testing. Allele origin: germline. Affected: yes.
Comment: This variant is considered likely benign or benign based on one or more of the following criteria: it is a conservative change, it occurs at a poorly conserved position in the protein, it is predicted to be benign by multiple in silico algorithms, and/or has population frequency not consistent with disease.

Breakthrough Genomics
Classification: Benign. Review status: criteria provided, single submitter. Criteria: ACMG Guidelines, 2015. Collection method: not provided. Allele origin: germline. Inheritance: Unknown mechanism. Affected: yes.